The following is an entry in ClinVar:

NM_000393.5(COL5A2):c.1158+14G>A

Gene: COL5A2 (collagen type V alpha 2 chain; minus strand). Cytogenetic location: 2q32.2.
Variant type: single nucleotide variant.
Coding change: c.1158+14G>A on transcript NM_000393.5 (MANE Select); 14 bases into the intron after coding-DNA position 1158, G replaced by A.
Molecular consequence: intron variant.
Genome position (GRCh38, 1-based): chr2:189,072,026, C>T on the plus strand (G>A on the coding strand, the complement: COL5A2 is on the minus strand). VCF-style: chr2-189072026-C-T. GRCh37 (hg19) VCF-style: chr2-189936752-C-T.
Identifiers: ClinVar variation 388176 (VCV000388176.4), dbSNP rs1057523022, ClinGen allele CA16604083.

ClinVar aggregate classification (germline): Likely benign. Review status: criteria provided, multiple submitters, no conflicts (2 of 4 stars). 2 submissions from 2 submitters: Likely benign (2). Last evaluated 2024-06-19.

Conditions:
Ehlers-Danlos syndrome, classic type, 1 (EDSCL1). Also called: EHLERS-DANLOS SYNDROME, GRAVIS TYPE; EHLERS-DANLOS SYNDROME, SEVERE CLASSIC TYPE; Ehlers-Danlos Syndrome, Classic Type, COL5A1-Related; EDS I; Ehlers-Danlos syndrome, type 1. Identifiers: MedGen C0268335, MONDO:0019567, OMIM 130000.

Allele frequency attached by ClinVar (database versions not stated): gnomAD exomes 0.00001 and below 0.00001.
gnomAD v4.1: 3 of 1,554,134 alleles (0.00019%); highest among the groups gnomAD compares: Admixed American, 0.0034%; no homozygotes.

Submissions (2):

Labcorp Genetics (formerly Invitae), Labcorp
Classification: Likely benign for Ehlers-Danlos syndrome, classic type, 1. Last evaluated: 2024-06-19. Review status: criteria provided, single submitter. Criteria: Invitae Variant Classification Sherloc (09022015). Collection method: clinical testing. Allele origin: germline.

GeneDx
Classification: Likely benign. Last evaluated: 2016-07-26. Review status: criteria provided, single submitter. Criteria: GeneDx Variant Classification (06012015). Collection method: clinical testing. Allele origin: germline. Affected: yes.
Comment: This variant is considered likely benign or benign based on one or more of the following criteria: it is a conservative change, it occurs at a poorly conserved position in the protein, it is predicted to be benign by multiple in silico algorithms, and/or has population frequency not consistent with disease.